The following is an entry in ClinVar:

NM_144736.5(NDUFAF7):c.298-23_298-20del

Gene: NDUFAF7 (NADH:ubiquinone oxidoreductase complex assembly factor 7; plus strand). Cytogenetic location: 2p22.2.
Variant type: Deletion.
Coding change: c.298-23_298-20del on transcript NM_144736.5 (MANE Select); 23 bases into the intron before coding-DNA position 298 through 20 bases into the intron before coding-DNA position 298, 4 bases deleted (GTTT; older notation c.298-23_298-20delGTTT).
Molecular consequence: intron variant.
Genome position (GRCh38, 1-based): chr2:37,237,734-37,237,737, GTTT deleted; deleting any 4 consecutive bases within chr2:37,237,733-37,237,737 gives the same sequence; the c. name uses the placement nearest the transcript's 3' end. VCF-style (leftmost placement, unchanged base first): chr2-37237732-GTGTT-G. GRCh37 (hg19) VCF-style: chr2-37464875-GTGTT-G.
Other names: c.298-23_298-20del (NM_001350024.2, NM_001350027.2); c.217-23_217-20del (NM_001350025.2, NM_001083946.2); c.298-23_298-20delGTTT (NM_144736.4).
Identifiers: ClinVar variation 509204 (VCV000509204.1), dbSNP rs1340161335, ClinGen allele CA531934728.

ClinVar aggregate classification (germline): Likely benign (1 of 4 stars; one submission).

Submission:

GeneDx
Classification: Likely benign. Last evaluated: 2017-05-11. Review status: criteria provided, single submitter. Criteria: GeneDx Variant Classification (06012015). Collection method: clinical testing. Allele origin: germline. Affected: yes.
Comment: This variant is considered likely benign or benign based on one or more of the following criteria: it is a conservative change, it occurs at a poorly conserved position in the protein, it is predicted to be benign by multiple in silico algorithms, and/or has population frequency not consistent with disease.